The following is an entry in ClinVar:

ClinVar aggregate classification (germline): Uncertain significance. Review status: criteria provided, multiple submitters, no conflicts (2 of 4 stars). 3 submissions from 3 submitters: Uncertain significance (2). 1 of the submissions does not count toward it. Last evaluated 2024-08-13.

Conditions:
Hereditary cancer-predisposing syndrome. Also called: Tumor predisposition; Hereditary neoplastic syndrome; Neoplastic Syndromes, Hereditary; Hereditary Cancer Syndrome. Identifiers: Orphanet 140162, MedGen C0027672, MeSH D009386, MONDO:0015356.
Bloom syndrome (BLM). Also called: Bloom-Torre-Machacek syndrome. Identifiers: Orphanet 125, MedGen C0005859, MONDO:0008876, OMIM 210900.

Allele frequency attached by ClinVar (database versions not stated): ExAC 0.00001.
gnomAD v4.1: 5 of 1,612,484 alleles (0.00031%); highest among the groups gnomAD compares: Non-Finnish European, 0.00042%; no homozygotes.

Submissions (3):

Labcorp Genetics (formerly Invitae), Labcorp
Classification: Uncertain significance for Bloom syndrome. Last evaluated: 2024-08-13. Review status: criteria provided, single submitter. Criteria: Invitae Variant Classification Sherloc (09022015). Collection method: clinical testing. Allele origin: germline.
Comment: This sequence change replaces aspartic acid, which is acidic and polar, with glycine, which is neutral and non-polar, at codon 420 of the BLM protein (p.Asp420Gly). The frequency data for this variant in the population databases is considered unreliable, as metrics indicate poor data quality at this position in the gnomAD database. This variant has not been reported in the literature in individuals affected with BLM-related conditions. ClinVar contains an entry for this variant (Variation ID: 818726). Advanced modeling of protein sequence and biophysical properties (such as structural, functional, and spatial information, amino acid conservation, physicochemical variation, residue mobility, and thermodynamic stability) performed at Invitae indicates that this missense variant is not expected to disrupt BLM protein function with a negative predictive value of 80%. In summary, the available evidence is currently insufficient to determine the role of this variant in disease. Therefore, it has been classified as a Variant of Uncertain Significance.

Ambry Genetics
Classification: Uncertain significance for Hereditary cancer-predisposing syndrome. Last evaluated: 2024-03-09. Review status: criteria provided, single submitter. Criteria: Ambry Variant Classification Scheme 2023. Collection method: clinical testing. Allele origin: germline.
Comment: The p.D420G variant (also known as c.1259A>G), located in coding exon 6 of the BLM gene, results from an A to G substitution at nucleotide position 1259. The aspartic acid at codon 420 is replaced by glycine, an amino acid with similar properties. This amino acid position is not well conserved in available vertebrate species. In addition, this alteration is predicted to be tolerated by in silico analysis. Since supporting evidence is limited at this time, the clinical significance of this alteration remains unclear.

Natera, Inc.
Classification: Uncertain significance for Bloom syndrome. Last evaluated: 2020-03-11. Review status: no assertion criteria provided. Collection method: clinical testing. Allele origin: germline. Not counted in ClinVar's aggregate classification.

NM_000057.4(BLM):c.1259A>G (p.Asp420Gly)

Gene: BLM (BLM RecQ like helicase; plus strand). Cytogenetic location: 15q26.1.
Variant type: single nucleotide variant.
Coding change: c.1259A>G on transcript NM_000057.4 (MANE Select); coding-DNA position 1259, A replaced by G.
Protein change: p.Asp420Gly; replaces aspartic acid 420 with glycine.
Molecular consequence: missense variant.
Genome position (GRCh38, 1-based): chr15:90,760,632, A>G. VCF-style: chr15-90760632-A-G. GRCh37 (hg19) VCF-style: chr15-91303862-A-G.
Other names: c.1259A>G, p.Asp420Gly (NM_001287246.2, NM_001287247.2); c.134A>G, p.Asp45Gly (NM_001287248.2); short protein forms D420G, D45G.
Identifiers: ClinVar variation 818726 (VCV000818726.14), dbSNP rs773952896, ClinGen allele CA7738511.
Genomic context (GRCh38, chr15:90,760,632, plus strand): 5'-TTGTTCTCTTTTCTCTCTTCAGAAGGAAACTTCTAACGGAAGTAGATTTTAATAAAAGTG[A>G]TGCCAGTCTTCTTGGCTCATTGTGGAGATACAGGCCTGATTCACTTGATGGCCCTATGGA-3'
Protein context (NP_000048.1, residues 410-430): LLTEVDFNKS[Asp420Gly]ASLLGSLWRY